The following is an entry in ClinVar:

NM_001136191.3(KANK2):c.977G>A (p.Arg326His)

Gene: KANK2 (KN motif and ankyrin repeat domains 2; minus strand). Cytogenetic location: 19p13.2.
Variant type: single nucleotide variant.
Coding change: c.977G>A on transcript NM_001136191.3 (MANE Select); coding-DNA position 977, G replaced by A.
Protein change: p.Arg326His; replaces arginine 326 with histidine.
Molecular consequence: missense variant.
Genome position (GRCh38, 1-based): chr19:11,193,103, C>T on the plus strand (G>A on the coding strand, the complement: KANK2 is on the minus strand). VCF-style: chr19-11193103-C-T. GRCh37 (hg19) VCF-style: chr19-11303779-C-T.
Other names: c.977G>A, p.Arg326His (NM_001329451.2, NM_001379548.1, NM_001379549.1 and 15 more transcripts); short protein forms R326H.
Identifiers: ClinVar variation 3531682 (VCV003531682.4).

ClinVar aggregate classification (germline): Uncertain significance. Review status: criteria provided, multiple submitters, no conflicts (2 of 4 stars). 3 submissions from 3 submitters: Uncertain significance (3). Last evaluated 2026-02-13.

Conditions:
Nephrotic syndrome 16. Identifiers: MedGen C4540453, MONDO:0033280, OMIM 617783.

gnomAD v4.1: 137 of 1,606,002 alleles (0.0085%); highest among the groups gnomAD compares: Non-Finnish European, 0.01%; no homozygotes.

Submissions (3):

OLLIN Analises Genomicas, OLLIN
Classification: Uncertain significance for Nephrotic syndrome 16. Last evaluated: 2026-02-13. Review status: criteria provided, single submitter. Criteria: ACMG Guidelines 2015 PMID 25741868. Collection method: clinical testing. Allele origin: germline. Observed: 1 variant allele.
Comment: PM2_P, BP4_M

Labcorp Genetics (formerly Invitae), Labcorp
Classification: Uncertain significance. Last evaluated: 2025-06-12. Review status: criteria provided, single submitter. Criteria: Invitae Variant Classification Sherloc (09022015). Collection method: clinical testing. Allele origin: germline.
Comment: This sequence change replaces arginine, which is basic and polar, with histidine, which is basic and polar, at codon 326 of the KANK2 protein (p.Arg326His). This variant is present in population databases (rs370098562, gnomAD 0.01%). This variant has not been reported in the literature in individuals affected with KANK2-related conditions. ClinVar contains an entry for this variant (Variation ID: 3531682). An algorithm developed to predict the effect of missense changes on protein structure and function (PolyPhen-2) suggests that this variant is likely to be disruptive. In summary, the available evidence is currently insufficient to determine the role of this variant in disease. Therefore, it has been classified as a Variant of Uncertain Significance.

Ambry Genetics
Classification: Uncertain significance. Last evaluated: 2024-08-26. Review status: criteria provided, single submitter. Criteria: Ambry Variant Classification Scheme 2023. Collection method: clinical testing. Allele origin: germline.